The following is an entry in ClinVar:

ClinVar aggregate classification (germline): Uncertain significance (1 of 4 stars; one submission).

Conditions:
Intellectual developmental disorder, autosomal recessive 65. Also called: MENTAL RETARDATION, AUTOSOMAL RECESSIVE 65; Intellectual disability, autosomal recessive 65. Identifiers: MedGen C4748219, MONDO:0020850, OMIM 618109.

Submission:

3billion
Classification: Uncertain significance for Intellectual developmental disorder, autosomal recessive 65. Last evaluated: 2023-10-05. Review status: criteria provided, single submitter. Criteria: ACMG Guidelines, 2015. Collection method: clinical testing. Allele origin: germline. Affected: yes.
Comment: The variant is not observed in the gnomAD v2.1.1 dataset. Predicted Consequence/Location: The majority of the known disease-causing variants of this gene are variants expected to result in premature termination of the protein. Premature termination of the protein is a common disease-causing mechanism for this gene. In silico tool predictions suggest damaging effect of the variant on gene or gene product [REVEL: 0.74 (>=0.6, sensitivity 0.68 and specificity 0.92)]. Therefore, this variant is classified as VUS according to the recommendation of ACMG/AMP guideline.

NM_006618.5(KDM5B):c.1580C>T (p.Ala527Val)

Gene: KDM5B (lysine demethylase 5B; minus strand). Cytogenetic location: 1q32.1.
Variant type: single nucleotide variant.
Coding change: c.1580C>T on transcript NM_006618.5 (MANE Select); coding-DNA position 1580, C replaced by T.
Protein change: p.Ala527Val; replaces alanine 527 with valine.
Molecular consequence: missense variant.
Genome position (GRCh38, 1-based): chr1:202,753,026, G>A on the plus strand (C>T on the coding strand, the complement: KDM5B is on the minus strand). VCF-style: chr1-202753026-G-A. GRCh37 (hg19) VCF-style: chr1-202722154-G-A.
Other names: c.1688C>T, p.Ala563Val (NM_001314042.2); c.1445C>T, p.Ala482Val (NM_001347591.2); c.1565C>T, p.Ala522Val (NM_001399817.1); short protein forms A482V, A522V, A527V, A563V.
Identifiers: ClinVar variation 3775952 (VCV003775952.1).